The following is an entry in ClinVar:

ClinVar aggregate classification (germline): Uncertain significance (1 of 4 stars; one submission).

Conditions:
Developmental and epileptic encephalopathy 94 (DEE94). Also called: CHD2-Related Neurodevelopmental Disorders; Epileptic encephalopathy, childhood-onset. Identifiers: Orphanet 1942, Orphanet 2382, MedGen C3809278, MONDO:0014150, OMIM 615369.

Submission:

Labcorp Genetics (formerly Invitae), Labcorp
Classification: Uncertain significance for Developmental and epileptic encephalopathy 94. Last evaluated: 2023-10-03. Review status: criteria provided, single submitter. Criteria: Invitae Variant Classification Sherloc (09022015). Collection method: clinical testing. Allele origin: germline.
Comment: This sequence change replaces lysine, which is basic and polar, with arginine, which is basic and polar, at codon 1113 of the CHD2 protein (p.Lys1113Arg). This variant is not present in population databases (gnomAD no frequency). This variant has not been reported in the literature in individuals affected with CHD2-related conditions. ClinVar contains an entry for this variant (Variation ID: 2002455). Advanced modeling of protein sequence and biophysical properties (such as structural, functional, and spatial information, amino acid conservation, physicochemical variation, residue mobility, and thermodynamic stability) performed at Invitae indicates that this missense variant is not expected to disrupt CHD2 protein function. In summary, the available evidence is currently insufficient to determine the role of this variant in disease. Therefore, it has been classified as a Variant of Uncertain Significance.

NM_001271.4(CHD2):c.3338A>G (p.Lys1113Arg)

Gene: CHD2 (chromodomain helicase DNA binding protein 2; plus strand). Cytogenetic location: 15q26.1.
Variant type: single nucleotide variant.
Coding change: c.3338A>G on transcript NM_001271.4 (MANE Select); coding-DNA position 3338, A replaced by G.
Protein change: p.Lys1113Arg; replaces lysine 1113 with arginine.
Molecular consequence: missense variant.
Genome position (GRCh38, 1-based): chr15:92,985,598, A>G. VCF-style: chr15-92985598-A-G. GRCh37 (hg19) VCF-style: chr15-93528828-A-G.
Other names: short protein forms K1113R.
Identifiers: ClinVar variation 2002455 (VCV002002455.4), dbSNP rs2505562422, ClinGen allele CA393895705.